The following is an entry in ClinVar:

ClinVar aggregate classification (germline): Uncertain significance. Review status: criteria provided, multiple submitters, no conflicts (2 of 4 stars). 2 submissions from 2 submitters: Uncertain significance (2). Last evaluated 2025-05-02.

Conditions:
PEX11B-related disorder. Also called: PEX11B-related condition.

gnomAD v4.1: 1 of 1,613,946 alleles (0.000062%); highest among the groups gnomAD compares: Non-Finnish European, 0.000085%; no homozygotes.

Submissions (2):

PreventionGenetics, part of Exact Sciences
Classification: Uncertain significance for PEX11B-related condition. Last evaluated: 2025-05-02. Review status: criteria provided, single submitter. Criteria: ACMG Guidelines, 2015. Collection method: clinical testing. Allele origin: germline.
Comment: The PEX11B c.215A>G variant is predicted to result in the amino acid substitution p.Lys72Arg. To our knowledge, this variant has not been reported in the literature. This variant is reported in 0.00088% of alleles in individuals of European (Non-Finnish) descent in gnomAD. At this time, the clinical significance of this variant is uncertain due to the absence of conclusive functional and genetic evidence.

Labcorp Genetics (formerly Invitae), Labcorp
Classification: Uncertain significance. Last evaluated: 2023-07-03. Review status: criteria provided, single submitter. Criteria: Invitae Variant Classification Sherloc (09022015). Collection method: clinical testing. Allele origin: germline.
Comment: ClinVar contains an entry for this variant (Variation ID: 2186628). In summary, the available evidence is currently insufficient to determine the role of this variant in disease. Therefore, it has been classified as a Variant of Uncertain Significance. An algorithm developed to predict the effect of missense changes on protein structure and function (PolyPhen-2) suggests that this variant is likely to be disruptive. This variant has not been reported in the literature in individuals affected with PEX11B-related conditions. This variant is present in population databases (rs782638912, gnomAD 0.0009%). This sequence change replaces lysine, which is basic and polar, with arginine, which is basic and polar, at codon 72 of the PEX11B protein (p.Lys72Arg).

NM_003846.3(PEX11B):c.215A>G (p.Lys72Arg)

Gene: PEX11B (peroxisomal biogenesis factor 11 beta; minus strand). Cytogenetic location: 1q21.1.
Variant type: single nucleotide variant.
Coding change: c.215A>G on transcript NM_003846.3 (MANE Select); coding-DNA position 215, A replaced by G.
Protein change: p.Lys72Arg; replaces lysine 72 with arginine.
Molecular consequence: missense variant. On other transcripts: non-coding transcript variant (3).
Genome position (GRCh38, 1-based): chr1:145,916,976, T>C on the plus strand (A>G on the coding strand, the complement: PEX11B is on the minus strand). VCF-style: chr1-145916976-T-C. GRCh37 (hg19) VCF-style: chr1-145518113-A-G.
Other names: c.215A>G (NM_003846.2); c.173A>G, p.Lys58Arg (NM_001184795.1); short protein forms K58R, K72R.
Identifiers: ClinVar variation 2186628 (VCV002186628.4), dbSNP rs782638912, ClinGen allele CA1055548.